The following is an entry in ClinVar:

ClinVar aggregate classification (germline): Likely pathogenic. Review status: criteria provided, multiple submitters, no conflicts (2 of 4 stars). 2 submissions from 2 submitters: Likely pathogenic (2). Last evaluated 2022-02-14.

Conditions:
Dilated cardiomyopathy 1BB (CMD1BB). Also called: CARDIOMYOPATHY, DILATED, 1BB, SUSCEPTIBILITY TO. Identifiers: Orphanet 154, MedGen C2752072, MONDO:0013030, OMIM 612877.
Arrhythmogenic right ventricular dysplasia 10. Also called: Arrhythmogenic Right Ventricular Dysplasia/Cardiomyopathy10; Arrhythmogenic right ventricular dysplasia/cardiomyopathy, type 10; ARRHYTHMOGENIC RIGHT VENTRICULAR DYSPLASIA, FAMILIAL, 10. Identifiers: MedGen C1857777, MONDO:0012434, OMIM 610193.

Submissions (2):

Fulgent Genetics
Classification: Likely pathogenic for Arrhythmogenic right ventricular dysplasia 10; Dilated cardiomyopathy 1BB. Last evaluated: 2022-02-14. Review status: criteria provided, single submitter. Criteria: ACMG Guidelines, 2015. Collection method: clinical testing. Allele origin: unknown.

Labcorp Genetics (formerly Invitae), Labcorp
Classification: Likely pathogenic for Arrhythmogenic right ventricular dysplasia 10. Last evaluated: 2020-02-17. Review status: criteria provided, single submitter. Criteria: Invitae Variant Classification Sherloc (09022015). Collection method: clinical testing. Allele origin: germline.
Comment: This sequence change affects a donor splice site in intron 10 of the DSG2 gene. It is expected to disrupt RNA splicing and likely results in an absent or disrupted protein product. This variant is not present in population databases (ExAC no frequency). This variant has been observed in individual(s) with arrhythmogenic right ventricular dysplasia (ARVD) (PMID: 18632414). Algorithms developed to predict the effect of sequence changes on RNA splicing suggest that this variant may disrupt the consensus splice site, but this prediction has not been confirmed by published transcriptional studies. Donor and acceptor splice site variants typically lead to a loss of protein function (PMID: 16199547), and loss-of-function variants in DSG2 are known to be pathogenic (PMID: 23381804, 23911551). In summary, the currently available evidence indicates that the variant is pathogenic, but additional data are needed to prove that conclusively. Therefore, this variant has been classified as Likely Pathogenic.

Literature cited by the submitters: PubMed 18632414 (cited by Labcorp Genetics (formerly Invitae), Labcorp); PubMed 16199547 (cited by Labcorp Genetics (formerly Invitae), Labcorp); PubMed 23381804 (cited by Labcorp Genetics (formerly Invitae), Labcorp); PubMed 23911551 (cited by Labcorp Genetics (formerly Invitae), Labcorp).

NM_001943.5(DSG2):c.1423+1G>T

Gene: DSG2 (desmoglein 2; plus strand). Cytogenetic location: 18q12.1.
Variant type: single nucleotide variant.
Coding change: c.1423+1G>T on transcript NM_001943.5 (MANE Select); the canonical splice donor site of the intron after coding-DNA position 1423, G replaced by T.
Molecular consequence: splice donor variant.
Genome position (GRCh38, 1-based): chr18:31,535,413, G>T. VCF-style: chr18-31535413-G-T. GRCh37 (hg19) VCF-style: chr18-29115376-G-T.
Identifiers: ClinVar variation 1066747 (VCV001066747.10), dbSNP rs1257877047, ClinGen allele CA402140613.